The following is an entry in ClinVar:

NM_004304.5(ALK):c.397C>T (p.Arg133Cys)

Gene: ALK (ALK receptor tyrosine kinase; minus strand). Cytogenetic location: 2p23.1.
Variant type: single nucleotide variant.
Coding change: c.397C>T on transcript NM_004304.5 (MANE Select); coding-DNA position 397, C replaced by T.
Protein change: p.Arg133Cys; replaces arginine 133 with cysteine.
Molecular consequence: missense variant.
Genome position (GRCh38, 1-based): chr2:29,920,263, G>A on the plus strand (C>T on the coding strand, the complement: ALK is on the minus strand). VCF-style: chr2-29920263-G-A. GRCh37 (hg19) VCF-style: chr2-30143129-G-A.
Other names: short protein forms R133C.
Identifiers: ClinVar variation 538219 (VCV000538219.16), dbSNP rs775940832, ClinGen allele CA1594982.
Genomic context (GRCh38, chr2:29,920,263, plus strand): 5'-CCTCCAAGATCGCCTCCTCGCCCAGCTCCAGCACCAACTGCTTGGCACGCCGGAGCTTGC[G>A]CACGGAGCCGCCCTTCAGCACCCTGGACAGCGTCCGGGCCTCTGCCGGGGCTGGTGAACC-3'
Protein context (NP_004295.2, residues 123-143): LSRVLKGGSV[Arg133Cys]KLRRAKQLVL

ClinVar aggregate classification (germline): Conflicting classifications of pathogenicity. Review status: criteria provided, conflicting classifications (1 of 4 stars). 5 submissions from 5 submitters: Uncertain significance (4); Likely benign (1). Last evaluated 2026-01-21.

Conditions:
Hereditary cancer-predisposing syndrome. Also called: Neoplastic Syndromes, Hereditary; Hereditary Cancer Syndrome; Tumor predisposition; Hereditary neoplastic syndrome. Identifiers: Orphanet 140162, MedGen C0027672, MeSH D009386, MONDO:0015356.
Neuroblastoma, susceptibility to, 3. Also called: ALK-Related Neuroblastic Tumor Susceptibility. Identifiers: Orphanet 635, MedGen C2751681, MONDO:0013083, OMIM 613014.

Allele frequency attached by ClinVar (database versions not stated): gnomAD exomes 0.00005 and 0.00001; ExAC 0.00004; TOPMed 0.00002.
gnomAD v4.1: 17 of 1,598,526 alleles (0.0011%); highest among the groups gnomAD compares: Admixed American, 0.019%; no homozygotes.

Submissions (5):

Labcorp Genetics (formerly Invitae), Labcorp
Classification: Uncertain significance for Neuroblastoma, susceptibility to, 3. Last evaluated: 2026-01-21. Review status: criteria provided, single submitter. Criteria: Invitae Variant Classification Sherloc (09022015). Collection method: clinical testing. Allele origin: germline.
Comment: This sequence change replaces arginine, which is basic and polar, with cysteine, which is neutral and slightly polar, at codon 133 of the ALK protein (p.Arg133Cys). This variant is present in population databases (rs775940832, gnomAD 0.03%). This variant has not been reported in the literature in individuals affected with ALK-related conditions. ClinVar contains an entry for this variant (Variation ID: 538219). An algorithm developed to predict the effect of missense changes on protein structure and function (PolyPhen-2) suggests that this variant is likely to be disruptive. In summary, the available evidence is currently insufficient to determine the role of this variant in disease. Therefore, it has been classified as a Variant of Uncertain Significance.

Dasa
Classification: Uncertain significance. Last evaluated: 2025-06-21. Review status: criteria provided, single submitter. Criteria: DASA Assertion Criteria. Collection method: clinical testing. Allele origin: germline.
Comment: NM_004304.5(ALK):c.397C>T (p.Arg133Cys) is a missense variant that results in the substitution of arginine with cysteine. This variant is rare in population databases. Computational prediction algorithms are consistent with a benign effect. The currently available literature and clinical evidence are not sufficient to establish a definitive association between this variant and the reported condition. Therefore, this variant is classified as a variant of uncertain significance.

Ambry Genetics
Classification: Likely benign for Hereditary cancer-predisposing syndrome. Last evaluated: 2024-06-26. Review status: criteria provided, single submitter. Criteria: Ambry Variant Classification Scheme 2023. Collection method: clinical testing. Allele origin: germline.

Baylor Genetics
Classification: Uncertain significance for Neuroblastoma, susceptibility to, 3. Last evaluated: 2023-09-05. Review status: criteria provided, single submitter. Criteria: ACMG Guidelines, 2015. Collection method: clinical testing. Allele origin: unknown.

Fulgent Genetics
Classification: Uncertain significance for Neuroblastoma, susceptibility to, 3. Last evaluated: 2018-10-31. Review status: criteria provided, single submitter. Criteria: ACMG Guidelines, 2015. Collection method: clinical testing. Allele origin: unknown.